The following is an entry in ClinVar:

ClinVar aggregate classification (germline): Uncertain significance. Review status: criteria provided, multiple submitters, no conflicts (2 of 4 stars). 3 submissions from 3 submitters: Uncertain significance (3). Last evaluated 2025-09-19.

Conditions:
Neuroblastoma, susceptibility to, 1. Identifiers: MedGen C2749485, MONDO:0009741, OMIM 256700.
Charcot-Marie-Tooth disease type 2A1. Also called: CHARCOT-MARIE-TOOTH DISEASE, AXONAL, TYPE 2A1; CHARCOT-MARIE-TOOTH DISEASE, AXONAL, AUTOSOMAL DOMINANT, TYPE 2A1; CHARCOT-MARIE-TOOTH DISEASE, NEURONAL, TYPE 2A1; CHARCOT-MARIE-TOOTH NEUROPATHY, TYPE 2A1; HEREDITARY MOTOR AND SENSORY NEUROPATHY IIA1. Identifiers: Orphanet 99946, MedGen C1861678, MONDO:0007308, OMIM 118210.

Allele frequency attached by ClinVar (database versions not stated): gnomAD exomes 0.00002.
gnomAD v4.1: 23 of 1,613,822 alleles (0.0014%); highest among the groups gnomAD compares: Non-Finnish European, 0.0019%; no homozygotes.

Submissions (3):

Ambry Genetics
Classification: Uncertain significance. Last evaluated: 2025-09-19. Review status: criteria provided, single submitter. Criteria: Ambry Variant Classification Scheme 2023. Collection method: clinical testing. Allele origin: germline.
Comment: The p.T1604P variant (also known as c.4810A>C), located in coding exon 43 of the KIF1B gene, results from an A to C substitution at nucleotide position 4810. The threonine at codon 1604 is replaced by proline, an amino acid with highly similar properties. In addition, the in silico prediction for this alteration is inconclusive. Since supporting evidence is limited at this time, the clinical significance of this alteration remains unclear.

Blueprint Genetics
Classification: Uncertain significance. Last evaluated: 2024-06-03. Review status: criteria provided, single submitter. Criteria: ACMG Guidelines, 2015. Collection method: clinical testing. Allele origin: germline.

Fulgent Genetics
Classification: Uncertain significance for Charcot-Marie-Tooth disease type 2A1; Neuroblastoma, susceptibility to, 1. Last evaluated: 2024-03-09. Review status: criteria provided, single submitter. Criteria: ACMG Guidelines, 2015. Collection method: clinical testing. Allele origin: germline.

NM_001365951.3(KIF1B):c.4948A>C (p.Thr1650Pro)

Gene: KIF1B (kinesin family member 1B; plus strand). Cytogenetic location: 1p36.22.
Variant type: single nucleotide variant.
Coding change: c.4948A>C on transcript NM_001365951.3 (MANE Select); coding-DNA position 4948, A replaced by C.
Protein change: p.Thr1650Pro; replaces threonine 1650 with proline.
Molecular consequence: missense variant.
Genome position (GRCh38, 1-based): chr1:10,374,317, A>C. VCF-style: chr1-10374317-A-C. GRCh37 (hg19) VCF-style: chr1-10434375-A-C.
Other names: c.4948A>C, p.Thr1650Pro (NM_001365952.1); c.4810A>C, p.Thr1604Pro (NM_015074.3); short protein forms T1650P, T1604P.
Identifiers: ClinVar variation 1743280 (VCV001743280.7), dbSNP rs1569930387, ClinGen allele CA338328507.